The following is an entry in ClinVar:

ClinVar aggregate classification (germline): Uncertain significance (1 of 4 stars; one submission).

Conditions:
Lipodystrophy - childhood onset.

Submission:

Cambridge Genomics Laboratory, East Genomic Laboratory Hub, NHS Genomic Medicine Service
Classification: Uncertain significance for Lipodystrophy - childhood onset. Last evaluated: 2024-10-31. Review status: criteria provided, single submitter. Criteria: ACGS Best Practice Guidelines for Variant Classification in Rare Disease 2020. Collection method: clinical testing. Allele origin: germline. Affected: yes.
Comment: BP4

NM_005357.4(LIPE):c.-32G>C

Genes: LIPE (lipase E, hormone sensitive type; minus strand), LIPE-AS1 (LIPE antisense RNA 1; plus strand). Cytogenetic location: 19q13.2.
Variant type: single nucleotide variant.
Coding change: c.-32G>C on transcript NM_005357.4 (MANE Select); 32 bases upstream of the start codon, G replaced by C.
Molecular consequence: 5 prime UTR variant.
Genome position (GRCh38, 1-based): chr19:42,427,181, C>G on the plus strand (G>C on the coding strand, the complement: LIPE is on the minus strand). VCF-style: chr19-42427181-C-G. GRCh37 (hg19) VCF-style: chr19-42931333-C-G.
Identifiers: ClinVar variation 4682124 (VCV004682124.1).